The following is an entry in ClinVar:

ClinVar aggregate classification (germline): Uncertain significance (1 of 4 stars; one submission).

Allele frequency attached by ClinVar (database versions not stated): gnomAD exomes below 0.00001 and 0.00001; TOPMed below 0.00001; ExAC 0.00005.
gnomAD v4.1: 6 of 1,551,306 alleles (0.00039%); highest among the groups gnomAD compares: Non-Finnish European, 0.00026%; no homozygotes.

Submission:

Labcorp Genetics (formerly Invitae), Labcorp
Classification: Uncertain significance. Last evaluated: 2024-10-15. Review status: criteria provided, single submitter. Criteria: Invitae Variant Classification Sherloc (09022015). Collection method: clinical testing. Allele origin: germline.
Comment: This sequence change replaces proline, which is neutral and non-polar, with leucine, which is neutral and non-polar, at codon 1493 of the EYS protein (p.Pro1493Leu). This variant is present in population databases (rs763161282, gnomAD 0.01%). This variant has not been reported in the literature in individuals affected with EYS-related conditions. ClinVar contains an entry for this variant (Variation ID: 1512474). Invitae Evidence Modeling of protein sequence and biophysical properties (such as structural, functional, and spatial information, amino acid conservation, physicochemical variation, residue mobility, and thermodynamic stability) indicates that this missense variant is expected to disrupt EYS protein function with a positive predictive value of 80%. In summary, the available evidence is currently insufficient to determine the role of this variant in disease. Therefore, it has been classified as a Variant of Uncertain Significance.

NM_001142800.2(EYS):c.4478C>T (p.Pro1493Leu)

Gene: EYS (eyes shut homolog; minus strand). Cytogenetic location: 6q12.
Variant type: single nucleotide variant.
Coding change: c.4478C>T on transcript NM_001142800.2 (MANE Select); coding-DNA position 4478, C replaced by T.
Protein change: p.Pro1493Leu; replaces proline 1493 with leucine.
Molecular consequence: missense variant.
Genome position (GRCh38, 1-based): chr6:64,591,389, G>A on the plus strand (C>T on the coding strand, the complement: EYS is on the minus strand). VCF-style: chr6-64591389-G-A. GRCh37 (hg19) VCF-style: chr6-65301282-G-A.
Other names: c.4478C>T, p.Pro1493Leu (NM_001292009.2); short protein forms P1493L.
Identifiers: ClinVar variation 1512474 (VCV001512474.6), dbSNP rs763161282, ClinGen allele CA3877077.